The following is an entry in ClinVar:

NR_003051.4(RMRP):n.54delC

Gene: RMRP (RNA component of mitochondrial RNA processing endoribonuclease; minus strand). Cytogenetic location: 9p13.3.
Variant type: Deletion.
Genome position: GRCh38 VCF-style: chr9-35657962-AG-A. GRCh37 (hg19) VCF-style: chr9-35657959-AG-A.
Identifiers: ClinVar variation 1981276 (VCV001981276.1), dbSNP rs151011853, ClinGen allele CA587570276.

ClinVar aggregate classification (germline): Uncertain significance (1 of 4 stars; one submission).

Conditions:
Anauxetic dysplasia. Identifiers: Orphanet 93347, MedGen C1846796, MONDO:0011773.

Submission:

Labcorp Genetics (formerly Invitae), Labcorp
Classification: Uncertain significance for Anauxetic dysplasia. Last evaluated: 2022-03-28. Review status: criteria provided, single submitter. Criteria: Invitae Variant Classification Sherloc (09022015). Collection method: clinical testing. Allele origin: germline.
Comment: This variant occurs in the RMRP gene, which encodes an RNA molecule that does not result in a protein product. This variant is present in population databases (no rsID available, gnomAD 0.002%). This variant has not been reported in the literature in individuals affected with RMRP-related conditions. In summary, the available evidence is currently insufficient to determine the role of this variant in disease. Therefore, it has been classified as a Variant of Uncertain Significance.